The following is an entry in ClinVar:

NM_152703.5(SAMD9L):c.1364T>G (p.Val455Gly)

Gene: SAMD9L (sterile alpha motif domain containing 9 like; minus strand). Cytogenetic location: 7q21.2.
Variant type: single nucleotide variant.
Coding change: c.1364T>G on transcript NM_152703.5 (MANE Select); coding-DNA position 1364, T replaced by G.
Protein change: p.Val455Gly; replaces valine 455 with glycine.
Molecular consequence: missense variant.
Genome position (GRCh38, 1-based): chr7:93,134,608, A>C on the plus strand (T>G on the coding strand, the complement: SAMD9L is on the minus strand). VCF-style: chr7-93134608-A-C. GRCh37 (hg19) VCF-style: chr7-92763921-A-C.
Other names: c.1364T>G, p.Val455Gly (NM_001303496.3, NM_001303497.3, NM_001303498.3 and 5 more transcripts); short protein forms V455G.
Identifiers: ClinVar variation 3949885 (VCV003949885.1).

ClinVar aggregate classification (germline): Uncertain significance (1 of 4 stars; one submission).

Conditions:
Inborn genetic diseases. Identifiers: MedGen C0950123, MeSH D030342.

Submission:

Ambry Genetics
Classification: Uncertain significance for Inborn genetic diseases. Last evaluated: 2025-04-29. Review status: criteria provided, single submitter. Criteria: Ambry Variant Classification Scheme 2023. Collection method: clinical testing. Allele origin: germline.
Comment: The p.V455G variant (also known as c.1364T>G), located in coding exon 1 of the SAMD9L gene, results from a T to G substitution at nucleotide position 1364. The valine at codon 455 is replaced by glycine, an amino acid with dissimilar properties. This amino acid position is conserved. In addition, the in silico prediction for this alteration is inconclusive. Based on the available evidence, the clinical significance of this variant remains unclear.